The following is an entry in ClinVar:

NM_006031.6(PCNT):c.6445G>T (p.Ala2149Ser)

Gene: PCNT (pericentrin; plus strand). Cytogenetic location: 21q22.3.
Variant type: single nucleotide variant.
Coding change: c.6445G>T on transcript NM_006031.6 (MANE Select); coding-DNA position 6445, G replaced by T.
Protein change: p.Ala2149Ser; replaces alanine 2149 with serine.
Molecular consequence: missense variant.
Genome position (GRCh38, 1-based): chr21:46,416,363, G>T. VCF-style: chr21-46416363-G-T. GRCh37 (hg19) VCF-style: chr21-47836277-G-T.
Other names: c.6091G>T, p.Ala2031Ser (NM_001315529.2); short protein forms A2031S, A2149S.
Identifiers: ClinVar variation 2635383 (VCV002635383.1), dbSNP rs753398642, ClinGen allele CA410563107.

ClinVar aggregate classification (germline): Uncertain significance (1 of 4 stars; one submission).

Conditions:
PCNT-related disorder. Also called: PCNT-related condition.

gnomAD v4.1: 2 of 1,614,062 alleles (0.00012%); highest among the groups gnomAD compares: South Asian, 0.0022%; no homozygotes.

Submission:

PreventionGenetics, part of Exact Sciences
Classification: Uncertain significance for PCNT-related condition. Last evaluated: 2023-08-01. Review status: criteria provided, single submitter. Criteria: ACMG Guidelines, 2015. Collection method: clinical testing. Allele origin: germline.
Comment: The PCNT c.6445G>T variant is predicted to result in the amino acid substitution p.Ala2149Ser. To our knowledge, this variant has not been reported in the literature or in a large population database, indicating this variant is rare. At this time, the clinical significance of this variant is uncertain due to the absence of conclusive functional and genetic evidence.